The following is an entry in ClinVar:

ClinVar aggregate classification (germline): Benign/Likely benign. Review status: criteria provided, multiple submitters, no conflicts (2 of 4 stars). 3 submissions from 3 submitters: Benign (1); Likely benign (1). 1 of the submissions does not count toward it. Last evaluated 2026-01-28.

Conditions:
OBSL1-related disorder. Also called: OBSL1-related condition.

Allele frequency attached by ClinVar (database versions not stated): gnomAD 0.00008 and 0.00020; TOPMed 0.00012; 1000 Genomes Project 30x 0.00031; gnomAD exomes 0.00037; ExAC 0.00039; 1000 Genomes Project 0.00040.
gnomAD v4.1: 272 of 1,588,018 alleles (0.017%); highest among the groups gnomAD compares: South Asian, 0.2%; 4 homozygotes.

Submissions (3):

Labcorp Genetics (formerly Invitae), Labcorp
Classification: Benign. Last evaluated: 2026-01-28. Review status: criteria provided, single submitter. Criteria: Invitae Variant Classification Sherloc (09022015). Collection method: clinical testing. Allele origin: germline.

Blueprint Genetics
Classification: Likely benign. Last evaluated: 2024-10-02. Review status: criteria provided, single submitter. Criteria: ACMG Guidelines, 2015. Collection method: clinical testing. Allele origin: germline.

PreventionGenetics, part of Exact Sciences
Classification: Likely benign for OBSL1-related condition. Last evaluated: 2019-03-01. Review status: no assertion criteria provided. Collection method: clinical testing. Allele origin: germline. Not counted in ClinVar's aggregate classification.
Comment: This variant is classified as likely benign based on ACMG/AMP sequence variant interpretation guidelines (Richards et al. 2015 PMID: 25741868, with internal and published modifications).

NM_015311.3(OBSL1):c.2661C>T (p.Tyr887=)

Gene: OBSL1 (obscurin like cytoskeletal adaptor 1; minus strand). Cytogenetic location: 2q35.
Variant type: single nucleotide variant.
Coding change: c.2661C>T on transcript NM_015311.3 (MANE Select); coding-DNA position 2661, C replaced by T.
Protein change: p.Tyr887=; no amino-acid change (tyrosine 887 retained).
Molecular consequence: synonymous variant.
Genome position (GRCh38, 1-based): chr2:219,563,374, G>A on the plus strand (C>T on the coding strand, the complement: OBSL1 is on the minus strand). VCF-style: chr2-219563374-G-A. GRCh37 (hg19) VCF-style: chr2-220428096-G-A.
Other names: c.2661C>T (NM_015311.2); c.2661C>T, p.Tyr887= (NM_001173408.2, NM_001173431.2).
Identifiers: ClinVar variation 1170567 (VCV001170567.12), dbSNP rs574451794, ClinGen allele CA2131147.